The following is an entry in ClinVar:

NM_001845.6(COL4A1):c.2040G>C (p.Glu680Asp)

Gene: COL4A1 (collagen type IV alpha 1 chain; minus strand). Cytogenetic location: 13q34.
Variant type: single nucleotide variant.
Coding change: c.2040G>C on transcript NM_001845.6 (MANE Select); coding-DNA position 2040, G replaced by C.
Protein change: p.Glu680Asp; replaces glutamic acid 680 with aspartic acid.
Molecular consequence: missense variant.
Genome position (GRCh38, 1-based): chr13:110,183,048, C>G on the plus strand (G>C on the coding strand, the complement: COL4A1 is on the minus strand). VCF-style: chr13-110183048-C-G. GRCh37 (hg19) VCF-style: chr13-110835395-C-G.
Other names: c.2040G>C (NM_001845.4); short protein forms E680D.
Identifiers: ClinVar variation 2997371 (VCV002997371.4), dbSNP rs2501791701, ClinGen allele CA388722205.

ClinVar aggregate classification (germline): Uncertain significance. Review status: criteria provided, multiple submitters, no conflicts (2 of 4 stars). 2 submissions from 2 submitters: Uncertain significance (2). Last evaluated 2026-01-21.

Conditions:
Inborn genetic diseases. Identifiers: MedGen C0950123, MeSH D030342.

Submissions (2):

Ambry Genetics
Classification: Uncertain significance for Inborn genetic diseases. Last evaluated: 2026-01-21. Review status: criteria provided, single submitter. Criteria: Ambry Variant Classification Scheme 2023. Collection method: clinical testing. Allele origin: germline.

Labcorp Genetics (formerly Invitae), Labcorp
Classification: Uncertain significance. Last evaluated: 2025-09-29. Review status: criteria provided, single submitter. Criteria: Invitae Variant Classification Sherloc (09022015). Collection method: clinical testing. Allele origin: germline.
Comment: This sequence change replaces glutamic acid, which is acidic and polar, with aspartic acid, which is acidic and polar, at codon 680 of the COL4A1 protein (p.Glu680Asp). This variant is not present in population databases (gnomAD no frequency). This variant has not been reported in the literature in individuals affected with COL4A1-related conditions. ClinVar contains an entry for this variant (Variation ID: 2997371). Invitae Evidence Modeling of protein sequence and biophysical properties (such as structural, functional, and spatial information, amino acid conservation, physicochemical variation, residue mobility, and thermodynamic stability) indicates that this missense variant is not expected to disrupt COL4A1 protein function with a negative predictive value of 95%. In summary, the available evidence is currently insufficient to determine the role of this variant in disease. Therefore, it has been classified as a Variant of Uncertain Significance.